The following is an entry in ClinVar:

ClinVar aggregate classification (germline): Uncertain significance (1 of 4 stars; one submission).

gnomAD v4.1: 5 of 1,614,158 alleles (0.00031%); highest among the groups gnomAD compares: African/African-American, 0.0013%; no homozygotes.

Submission:

Labcorp Genetics (formerly Invitae), Labcorp
Classification: Uncertain significance. Last evaluated: 2022-06-16. Review status: criteria provided, single submitter. Criteria: Invitae Variant Classification Sherloc (09022015). Collection method: clinical testing. Allele origin: germline.
Comment: This sequence change replaces asparagine, which is neutral and polar, with serine, which is neutral and polar, at codon 3316 of the LRP2 protein (p.Asn3316Ser). This variant is present in population databases (no rsID available, gnomAD 0.0009%). This variant has not been reported in the literature in individuals affected with LRP2-related conditions. Advanced modeling of protein sequence and biophysical properties (such as structural, functional, and spatial information, amino acid conservation, physicochemical variation, residue mobility, and thermodynamic stability) performed at Invitae indicates that this missense variant is not expected to disrupt LRP2 protein function. Algorithms developed to predict the effect of sequence changes on RNA splicing suggest that this variant may create or strengthen a splice site. In summary, the available evidence is currently insufficient to determine the role of this variant in disease. Therefore, it has been classified as a Variant of Uncertain Significance.

NM_004525.3(LRP2):c.9947A>G (p.Asn3316Ser)

Gene: LRP2 (LDL receptor related protein 2; minus strand). Cytogenetic location: 2q31.1.
Variant type: single nucleotide variant.
Coding change: c.9947A>G on transcript NM_004525.3 (MANE Select); coding-DNA position 9947, A replaced by G.
Protein change: p.Asn3316Ser; replaces asparagine 3316 with serine.
Molecular consequence: missense variant.
Genome position (GRCh38, 1-based): chr2:169,182,218, T>C on the plus strand (A>G on the coding strand, the complement: LRP2 is on the minus strand). VCF-style: chr2-169182218-T-C. GRCh37 (hg19) VCF-style: chr2-170038728-T-C.
Other names: short protein forms N3316S.
Identifiers: ClinVar variation 1944442 (VCV001944442.2), dbSNP rs1429713649, ClinGen allele CA349151830.